The following is an entry in ClinVar:

NM_006363.6(SEC23B):c.1525C>G (p.Gln509Glu)

Gene: SEC23B (SEC23 homolog B, COPII component; plus strand). Cytogenetic location: 20p11.23.
Variant type: single nucleotide variant.
Coding change: c.1525C>G on transcript NM_006363.6 (MANE Select); coding-DNA position 1525, C replaced by G.
Protein change: p.Gln509Glu; replaces glutamine 509 with glutamic acid.
Molecular consequence: missense variant.
Genome position (GRCh38, 1-based): chr20:18,543,032, C>G. VCF-style: chr20-18543032-C-G. GRCh37 (hg19) VCF-style: chr20-18523676-C-G.
Other names: c.1525C>G, p.Gln509Glu (NM_001172745.3, NM_032985.6, NM_032986.5); c.1471C>G, p.Gln491Glu (NM_001172746.3); short protein forms Q491E, Q509E.
Identifiers: ClinVar variation 2652224 (VCV002652224.24), dbSNP rs1163647305, ClinGen allele CA408363962.
Genomic context (GRCh38, chr20:18,543,032, plus strand): 5'-CTGATCTCTCCTAAACATAAGCATGGCACTAACTCTGGAATTGTCAGTTGGGCAGATGTA[C>G]AGAGTCAGCTCAGGCACATAGAAGCAGCATTTGACCAGGAGGCTGCGGCAGTGTTGATGG-3'
Protein context (NP_006354.2, residues 499-519): TTIARNWADV[Gln509Glu]SQLRHIEAAF

ClinVar aggregate classification (germline): Uncertain significance (1 of 4 stars; one submission).

Allele frequency attached by ClinVar (database versions not stated): gnomAD exomes below 0.00001; TOPMed below 0.00001; gnomAD 0.00001.

Submission:

CeGaT Center for Human Genetics Tuebingen
Classification: Uncertain significance. Last evaluated: 2023-09-01. Review status: criteria provided, single submitter. Criteria: CeGaT Center For Human Genetics Tuebingen Variant Classification Criteria Version 2. Collection method: clinical testing. Allele origin: germline. Affected: yes. Observed: 1 variant allele.
Comment: SEC23B: PM2